The following is an entry in ClinVar:

NM_000937.5(POLR2A):c.206G>T (p.Gly69Val)

Gene: POLR2A (RNA polymerase II subunit A; plus strand). Cytogenetic location: 17p13.1.
Variant type: single nucleotide variant.
Coding change: c.206G>T on transcript NM_000937.5 (MANE Select); coding-DNA position 206, G replaced by T.
Protein change: p.Gly69Val; replaces glycine 69 with valine.
Molecular consequence: missense variant.
Genome position (GRCh38, 1-based): chr17:7,496,053, G>T. VCF-style: chr17-7496053-G-T. GRCh37 (hg19) VCF-style: chr17-7399372-G-T.
Other names: short protein forms G69V.
Identifiers: ClinVar variation 3236075 (VCV003236075.1), dbSNP rs2508102446, ClinGen allele CA397855509.

ClinVar aggregate classification (germline): Uncertain significance (1 of 4 stars; one submission).

Conditions:
Neurodevelopmental disorder with hypotonia and variable intellectual and behavioral abnormalities. Identifiers: MedGen C5231423, MONDO:0032829, OMIM 618603.

Submission:

MVZ Medizinische Genetik Mainz
Classification: Uncertain significance for Neurodevelopmental disorder with hypotonia and variable intellectual and behavioral abnormalities. Last evaluated: 2024-01-04. Review status: criteria provided, single submitter. Criteria: UK Practice Guidelines For Variant Classification V4 01 2020. Collection method: clinical testing. Allele origin: germline. Inheritance: Autosomal dominant inheritance. Affected: yes. Observed: 1 variant allele.
Comment: ACMG Criteria: PM2_SUP,PP2